The following is an entry in ClinVar:

NM_020982.4(CLDN9):c.108C>T (p.Ile36=)

Gene: CLDN9 (claudin 9; plus strand). Cytogenetic location: 16p13.3.
Variant type: single nucleotide variant.
Coding change: c.108C>T on transcript NM_020982.4 (MANE Select); coding-DNA position 108, C replaced by T.
Protein change: p.Ile36=; no amino-acid change (isoleucine 36 retained).
Molecular consequence: synonymous variant.
Genome position (GRCh38, 1-based): chr16:3,013,470, C>T. VCF-style: chr16-3013470-C-T. GRCh37 (hg19) VCF-style: chr16-3063471-C-T.
Identifiers: ClinVar variation 4981010 (VCV004981010.1).
Genomic context (GRCh38, chr16:3,013,470, plus strand): 5'-GGGCTGGCTGGGGACCCTGGTGTCCTGCGCCCTGCCCCTGTGGAAGGTGACCGCCTTCAT[C>T]GGCAACAGCATCGTGGTGGCCCAGGTGGTGTGGGAGGGCCTGTGGATGTCCTGCGTGGTG-3'
Protein context (NP_066192.1, residues 26-46): ALPLWKVTAF[Ile36=]GNSIVVAQVV

ClinVar aggregate classification (germline): Likely benign (1 of 4 stars; one submission).

Conditions:
CLDN9-related disorder. Also called: CLDN9-related condition.

Submission:

PreventionGenetics, part of Exact Sciences
Classification: Likely benign for CLDN9-related condition. Last evaluated: 2025-12-03. Review status: criteria provided, single submitter. Criteria: ACMG Guidelines, 2015. Collection method: clinical testing. Allele origin: germline.
Comment: This variant is classified as likely benign based on ACMG/AMP sequence variant interpretation guidelines (Richards et al. 2015 PMID: 25741868, with internal and published modifications).